The following is an entry in ClinVar:

ClinVar aggregate classification (germline): Uncertain significance. Review status: criteria provided, multiple submitters, no conflicts (2 of 4 stars). 2 submissions from 2 submitters: Uncertain significance (2). Last evaluated 2025-04-06.

Conditions:
Inborn genetic diseases. Identifiers: MedGen C0950123, MeSH D030342.

Allele frequency attached by ClinVar (database versions not stated): gnomAD exomes 0.00001; ExAC 0.00003.
gnomAD v4.1: 4 of 1,613,944 alleles (0.00025%); highest among the groups gnomAD compares: Admixed American, 0.0067%; no homozygotes.

Submissions (2):

Ambry Genetics
Classification: Uncertain significance for Inborn genetic diseases. Last evaluated: 2025-04-06. Review status: criteria provided, single submitter. Criteria: Ambry Variant Classification Scheme 2023. Collection method: clinical testing. Allele origin: germline.

Labcorp Genetics (formerly Invitae), Labcorp
Classification: Uncertain significance. Last evaluated: 2022-10-17. Review status: criteria provided, single submitter. Criteria: Invitae Variant Classification Sherloc (09022015). Collection method: clinical testing. Allele origin: germline.
Comment: This sequence change replaces glutamic acid, which is acidic and polar, with glycine, which is neutral and non-polar, at codon 1106 of the ATP8A2 protein (p.Glu1106Gly). In summary, the available evidence is currently insufficient to determine the role of this variant in disease. Therefore, it has been classified as a Variant of Uncertain Significance. Algorithms developed to predict the effect of sequence changes on RNA splicing suggest that this variant may disrupt the consensus splice site. Advanced modeling of protein sequence and biophysical properties (such as structural, functional, and spatial information, amino acid conservation, physicochemical variation, residue mobility, and thermodynamic stability) performed at Invitae indicates that this missense variant is not expected to disrupt ATP8A2 protein function. This variant has not been reported in the literature in individuals affected with ATP8A2-related conditions. This variant is present in population databases (rs749165585, gnomAD 0.01%).

NM_016529.6(ATP8A2):c.3317A>G (p.Glu1106Gly)

Gene: ATP8A2 (ATPase phospholipid transporting 8A2). Cytogenetic location: 13q12.13.
Variant type: single nucleotide variant.
Coding change: c.3317A>G on transcript NM_016529.6 (MANE Select); coding-DNA position 3317, A replaced by G.
Protein change: p.Glu1106Gly; replaces glutamic acid 1106 with glycine.
Molecular consequence: missense variant.
Genome position (GRCh38, 1-based): chr13:25,968,619, A>G. VCF-style: chr13-25968619-A-G. GRCh37 (hg19) VCF-style: chr13-26542757-A-G.
Other names: c.3317A>G (NM_016529.4); c.3122A>G, p.Glu1041Gly (NM_001313741.1); c.3242A>G, p.Glu1081Gly (NM_001411005.1); short protein forms E1041G, E1081G, E1106G.
Identifiers: ClinVar variation 1965972 (VCV001965972.6), dbSNP rs749165585, ClinGen allele CA6923692.